The following is an entry in ClinVar:

NM_001365951.3(KIF1B):c.5432C>T (p.Pro1811Leu)

Gene: KIF1B (kinesin family member 1B; plus strand). Cytogenetic location: 1p36.22.
Variant type: single nucleotide variant.
Coding change: c.5432C>T on transcript NM_001365951.3 (MANE Select); coding-DNA position 5432, C replaced by T.
Protein change: p.Pro1811Leu; replaces proline 1811 with leucine.
Molecular consequence: missense variant.
Genome position (GRCh38, 1-based): chr1:10,376,568, C>T. VCF-style: chr1-10376568-C-T. GRCh37 (hg19) VCF-style: chr1-10436626-C-T.
Other names: c.5432C>T, p.Pro1811Leu (NM_001365952.1); c.5294C>T, p.Pro1765Leu (NM_015074.3); short protein forms P1765L, P1811L.
Identifiers: ClinVar variation 240960 (VCV000240960.32), dbSNP rs61999305, ClinGen allele CA582355.
Genomic context (GRCh38, chr1:10,376,568, plus strand): 5'-AGACTTCTAATCCTACCTCCCCGTTTGTCCCCCATAGGTCAAAGCTTTCCCGCAGATGCC[C>T]GAGCCAGTCGAAATACTAAGTGACTCTGCCGAGTGCCCTCACTCGCCTTCGAGAGATAAA-3'
Protein context (NP_001352880.1, residues 1801-1816): TIRSKLSRRC[Pro1811Leu]SQSKY

ClinVar aggregate classification (germline): Benign/Likely benign. Review status: criteria provided, multiple submitters, no conflicts (2 of 4 stars). 7 submissions from 7 submitters: Benign (5); Likely benign (2). Last evaluated 2026-02-03.

Conditions:
Charcot-Marie-Tooth disease type 2. Also called: Charcot-Marie-Tooth type 2. Identifiers: Orphanet 64746, MedGen C0270914, MONDO:0018993.
Charcot-Marie-Tooth disease. Also called: Charcot-Marie-Tooth Neuropathy; Charcot-Marie-Tooth Hereditary Neuropathy. Identifiers: Orphanet 166, MedGen C0007959, MONDO:0015626.
Neuroblastoma (NB). Identifiers: Orphanet 635, MedGen C0027819, MeSH D009447, MONDO:0005072, HP:0003006.

Allele frequency attached by ClinVar (database versions not stated): gnomAD exomes 0.00111; gnomAD 0.01198 and 0.01293; 1000 Genomes Project 30x 0.01312; TOPMed 0.01360; 1000 Genomes Project 0.01218; ESP Exome Variant Server 0.01438.

Submissions (7):

Labcorp Genetics (formerly Invitae), Labcorp
Classification: Benign for Charcot-Marie-Tooth disease type 2. Last evaluated: 2026-02-03. Review status: criteria provided, single submitter. Criteria: Invitae Variant Classification Sherloc (09022015). Collection method: clinical testing. Allele origin: germline.

ARUP Laboratories, Molecular Genetics and Genomics, ARUP Laboratories
Classification: Benign. Last evaluated: 2024-08-02. Review status: criteria provided, single submitter. Criteria: ARUP Molecular Germline Variant Investigation Process 2024. Collection method: clinical testing. Allele origin: germline.

Ambry Genetics
Classification: Benign. Last evaluated: 2020-07-28. Review status: criteria provided, single submitter. Criteria: Ambry Variant Classification Scheme 2023. Collection method: clinical testing. Allele origin: germline.

Illumina Laboratory Services, Illumina
Classification: Benign for Neuroblastoma. Last evaluated: 2018-01-13. Review status: criteria provided, single submitter. Criteria: ICSL Variant Classification Criteria 13 December 2019. Collection method: clinical testing. Allele origin: germline.
Comment: This variant was observed in the ICSL laboratory as part of a predisposition screen in an ostensibly healthy population. It had not been previously curated by ICSL or reported in the Human Gene Mutation Database (HGMD: prior to June 1st, 2018), and was therefore a candidate for classification through an automated scoring system. Utilizing variant allele frequency, disease prevalence and penetrance estimates, and inheritance mode, an automated score was calculated to assess if this variant is too frequent to cause the disease. Based on the score and internal cut-off values, a variant classified as benign is not then subjected to further curation. The score for this variant resulted in a classification of benign for this disease.

Center for Pediatric Genomic Medicine, Children's Mercy Hospital and Clinics
Classification: Likely benign. Last evaluated: 2017-04-24. Review status: criteria provided, single submitter. Criteria: ACMG Guidelines, 2015. Collection method: clinical testing. Allele origin: germline.

Breakthrough Genomics
Classification: Likely benign. Review status: criteria provided, single submitter. Criteria: ACMG Guidelines, 2015. Collection method: not provided. Allele origin: germline. Inheritance: Autosomal dominant inheritance. Affected: yes.

Molecular Genetics Laboratory, London Health Sciences Centre
Classification: Benign for Charcot-Marie-Tooth disease. Review status: criteria provided, single submitter. Criteria: ACMG Guidelines, 2015. Collection method: clinical testing. Allele origin: germline. Affected: yes.